The following is an entry in ClinVar:

ClinVar aggregate classification (germline): Uncertain significance. Review status: criteria provided, multiple submitters, no conflicts (2 of 4 stars). 3 submissions from 3 submitters: Uncertain significance (3). Last evaluated 2025-01-24.

Conditions:
Inborn genetic diseases. Identifiers: MedGen C0950123, MeSH D030342.

Allele frequency attached by ClinVar (database versions not stated): gnomAD 0.00001.
gnomAD v4.1: 1 of 1,611,912 alleles (0.000062%); highest among the groups gnomAD compares: Admixed American, 0.0017%; no homozygotes.

Submissions (3):

Ambry Genetics
Classification: Uncertain significance for Inborn genetic diseases. Last evaluated: 2025-01-24. Review status: criteria provided, single submitter. Criteria: Ambry Variant Classification Scheme 2023. Collection method: clinical testing. Allele origin: germline.
Comment: The p.E1272D variant (also known as c.3816A>T), located in coding exon 26 of the ANKRD26 gene, results from an A to T substitution at nucleotide position 3816. The glutamic acid at codon 1272 is replaced by aspartic acid, an amino acid with highly similar properties. This amino acid position is conserved. In addition, this alteration is predicted to be tolerated by in silico analysis. Based on the available evidence, the clinical significance of this variant remains unclear.

GeneDx
Classification: Uncertain significance. Last evaluated: 2023-11-07. Review status: criteria provided, single submitter. Criteria: GeneDx Variant Classification Process June 2021. Collection method: clinical testing. Allele origin: germline. Affected: yes.
Comment: Not observed at significant frequency in large population cohorts (gnomAD); In silico analysis supports that this missense variant does not alter protein structure/function; Has not been previously published as pathogenic or benign to our knowledge

Labcorp Genetics (formerly Invitae), Labcorp
Classification: Uncertain significance. Last evaluated: 2023-08-07. Review status: criteria provided, single submitter. Criteria: Invitae Variant Classification Sherloc (09022015). Collection method: clinical testing. Allele origin: germline.
Comment: In summary, the available evidence is currently insufficient to determine the role of this variant in disease. Therefore, it has been classified as a Variant of Uncertain Significance. An algorithm developed to predict the effect of missense changes on protein structure and function (PolyPhen-2) suggests that this variant is likely to be disruptive. This variant has not been reported in the literature in individuals affected with ANKRD26-related conditions. This variant is not present in population databases (gnomAD no frequency). This sequence change replaces glutamic acid, which is acidic and polar, with aspartic acid, which is acidic and polar, at codon 1272 of the ANKRD26 protein (p.Glu1272Asp).

NM_014915.3(ANKRD26):c.3816A>T (p.Glu1272Asp)

Gene: ANKRD26 (ankyrin repeat domain 26; minus strand). Cytogenetic location: 10p12.1.
Variant type: single nucleotide variant.
Coding change: c.3816A>T on transcript NM_014915.3 (MANE Select); coding-DNA position 3816, A replaced by T.
Protein change: p.Glu1272Asp; replaces glutamic acid 1272 with aspartic acid.
Molecular consequence: missense variant.
Genome position (GRCh38, 1-based): chr10:27,029,348, T>A on the plus strand (A>T on the coding strand, the complement: ANKRD26 is on the minus strand). VCF-style: chr10-27029348-T-A. GRCh37 (hg19) VCF-style: chr10-27318277-T-A.
Other names: c.3813A>T, p.Glu1271Asp (NM_001256053.2); short protein forms E1271D, E1272D.
Identifiers: ClinVar variation 3018429 (VCV003018429.5), dbSNP rs2053786694, ClinGen allele CA376360629.
Genomic context (GRCh38, chr10:27,029,348, plus strand): 5'-TTGCTTGTGATCTTGCATCTTCTCAGCACATCTGACAGCTTCTGTATGTCGATCCTGTGC[T>A]TCTTGCAACTAAAACAAAGAATAAAAAAAACCCACTTTACTAATAATCTAGTACACATCT-3'
Protein context (NP_055730.2, residues 1262-1282): KLGQIRNQLQ[Glu1272Asp]AQDRHTEAVR